The following is an entry in ClinVar:

ClinVar aggregate classification (germline): Uncertain significance. Review status: criteria provided, multiple submitters, no conflicts (2 of 4 stars). 3 submissions from 3 submitters: Uncertain significance (3). Last evaluated 2024-07-02.

Conditions:
Inborn genetic diseases. Identifiers: MedGen C0950123, MeSH D030342.
Lethal multiple pterygium syndrome (LMPS). Identifiers: Orphanet 33108, MedGen C1854678, MONDO:0009668, OMIM 253290.

Allele frequency attached by ClinVar (database versions not stated): gnomAD exomes below 0.00001.

Submissions (3):

Blueprint Genetics
Classification: Uncertain significance. Last evaluated: 2024-07-02. Review status: criteria provided, single submitter. Criteria: ACMG Guidelines, 2015. Collection method: clinical testing. Allele origin: germline.

Ambry Genetics
Classification: Uncertain significance for Inborn genetic diseases. Last evaluated: 2024-01-23. Review status: criteria provided, single submitter. Criteria: Ambry Variant Classification Scheme 2023. Collection method: clinical testing. Allele origin: germline.

Labcorp Genetics (formerly Invitae), Labcorp
Classification: Uncertain significance for Lethal multiple pterygium syndrome. Last evaluated: 2021-10-05. Review status: criteria provided, single submitter. Criteria: Invitae Variant Classification Sherloc (09022015). Collection method: clinical testing. Allele origin: germline.
Comment: In summary, the available evidence is currently insufficient to determine the role of this variant in disease. Therefore, it has been classified as a Variant of Uncertain Significance. Advanced modeling of protein sequence and biophysical properties (such as structural, functional, and spatial information, amino acid conservation, physicochemical variation, residue mobility, and thermodynamic stability) performed at Invitae indicates that this missense variant is not expected to disrupt CHRND protein function. This variant has not been reported in the literature in individuals affected with CHRND-related conditions. This variant is not present in population databases (ExAC no frequency). This sequence change replaces valine with alanine at codon 214 of the CHRND protein (p.Val214Ala). The valine residue is moderately conserved and there is a small physicochemical difference between valine and alanine.

NM_000751.3(CHRND):c.641T>C (p.Val214Ala)

Gene: CHRND (cholinergic receptor nicotinic delta subunit; plus strand). Cytogenetic location: 2q37.1.
Variant type: single nucleotide variant.
Coding change: c.641T>C on transcript NM_000751.3 (MANE Select); coding-DNA position 641, T replaced by C.
Protein change: p.Val214Ala; replaces valine 214 with alanine.
Molecular consequence: missense variant. On other transcripts: intron variant (1).
Genome position (GRCh38, 1-based): chr2:232,529,960, T>C. VCF-style: chr2-232529960-T-C. GRCh37 (hg19) VCF-style: chr2-233394670-T-C.
Other names: c.641T>C (NM_000751.1); c.596T>C, p.Val199Ala (NM_001256657.2); c.338T>C, p.Val113Ala (NM_001311196.2); c.238+1304T>C (NM_001311195.2); short protein forms V113A, V199A, V214A.
Identifiers: ClinVar variation 1383550 (VCV001383550.8), dbSNP rs1691620619, ClinGen allele CA351000630.